The following is an entry in ClinVar:

ClinVar aggregate classification (germline): Conflicting classifications of pathogenicity. Review status: criteria provided, conflicting classifications (1 of 4 stars). 4 submissions from 4 submitters: Uncertain significance (1); Likely benign (1). 2 of the submissions do not count toward it. Last evaluated 2026-01-28.

Conditions:
Methylmalonic aciduria due to complete methylmalonyl-CoA mutase deficiency.
Methylmalonic aciduria due to methylmalonyl-CoA mutase deficiency (MAMM). Also called: Methylmalonic aciduria, mut type. Identifiers: Orphanet 27, MedGen C1855114, MONDO:0009612, OMIM 251000.

Allele frequency attached by ClinVar (database versions not stated): gnomAD 0.00001 and 0.00018; TOPMed 0.00003; gnomAD exomes 0.00029 and 0.00056; ExAC 0.00074; 1000 Genomes Project 30x 0.00187; 1000 Genomes Project 0.00220.
gnomAD v4.1: 460 of 1,613,546 alleles (0.029%); highest among the groups gnomAD compares: South Asian, 0.47%; 2 homozygotes.

Submissions (4):

Labcorp Genetics (formerly Invitae), Labcorp
Classification: Likely benign. Last evaluated: 2026-01-28. Review status: criteria provided, single submitter. Criteria: Invitae Variant Classification Sherloc (09022015). Collection method: clinical testing. Allele origin: germline.

Illumina Laboratory Services, Illumina
Classification: Uncertain significance for Methylmalonic aciduria due to methylmalonyl-CoA mutase deficiency. Last evaluated: 2018-01-13. Review status: criteria provided, single submitter. Criteria: ICSL Variant Classification Criteria 13 December 2019. Collection method: clinical testing. Allele origin: germline.

Natera, Inc.
Classification: Benign for Methylmalonic aciduria due to complete methylmalonyl-CoA mutase deficiency. Last evaluated: 2020-01-10. Review status: no assertion criteria provided. Collection method: clinical testing. Allele origin: germline. Not counted in ClinVar's aggregate classification.

Institute of Medical Genetics and Genomics, Sir Ganga Ram Hospital
Classification: Pathogenic for Methylmalonic aciduria due to methylmalonyl-CoA mutase deficiency. Last evaluated: 2012-10-04. Review status: no assertion criteria provided. Collection method: research. Allele origin: germline. Affected: yes. Observed: 1 variant allele. Study: ORGANIC ACIDURIAS. Not counted in ClinVar's aggregate classification.
Comment: Missense mutation

NM_000255.4(MMUT):c.890C>T (p.Thr297Ile)

Gene: MMUT (methylmalonyl-CoA mutase; minus strand). Cytogenetic location: 6p12.3.
Variant type: single nucleotide variant.
Coding change: c.890C>T on transcript NM_000255.4 (MANE Select); coding-DNA position 890, C replaced by T.
Protein change: p.Thr297Ile; replaces threonine 297 with isoleucine.
Molecular consequence: missense variant.
Genome position (GRCh38, 1-based): chr6:49,456,101, G>A on the plus strand (C>T on the coding strand, the complement: MMUT is on the minus strand). VCF-style: chr6-49456101-G-A. GRCh37 (hg19) VCF-style: chr6-49423814-G-A.
Other names: p.297T>I; short protein forms T297I.
Identifiers: ClinVar variation 203859 (VCV000203859.17), dbSNP rs547709692, ClinGen allele CA312784.